The following is an entry in ClinVar:

NM_002025.4(AFF2):c.2702C>T (p.Ser901Phe)

Gene: AFF2 (ALF transcription elongation factor 2; plus strand). Cytogenetic location: Xq28.
Variant type: single nucleotide variant.
Coding change: c.2702C>T on transcript NM_002025.4 (MANE Select); coding-DNA position 2702, C replaced by T.
Protein change: p.Ser901Phe; replaces serine 901 with phenylalanine.
Molecular consequence: missense variant.
Genome position (GRCh38, 1-based): chrX:148,962,726, C>T. VCF-style: chrX-148962726-C-T. GRCh37 (hg19) VCF-style: chrX-148044256-C-T.
Other names: c.2603C>T, p.Ser868Phe (NM_001169122.2); c.2672C>T, p.Ser891Phe (NM_001169123.2); c.2597C>T, p.Ser866Phe (NM_001169124.2); c.2585C>T, p.Ser862Phe (NM_001169125.2); c.1625C>T, p.Ser542Phe (NM_001170628.1); short protein forms S542F, S862F, S866F, S868F, S891F, S901F.
Identifiers: ClinVar variation 3251007 (VCV003251007.18), dbSNP rs782757734.
Genomic context (GRCh38, chrX:148,962,726, plus strand): 5'-TAAAGAGAGAGAAGACTTTATGACACCCTACACTTCTTGTTTTTCACAGAAATAATTCAT[C>T]CAGGAGAGCAAATAGAAGAAAGGAAGAAAAACTATTTCCTCCTCCACTTTCCCCACTGCC-3'
Protein context (NP_002016.2, residues 891-911): KPPNTRENNS[Ser901Phe]RRANRRKEEK

ClinVar aggregate classification (germline): Likely benign (1 of 4 stars; one submission).

Allele frequency attached by ClinVar (database versions not stated): ExAC 0.00006.

Submission:

CeGaT Center for Human Genetics Tuebingen
Classification: Likely benign. Last evaluated: 2024-06-01. Review status: criteria provided, single submitter. Criteria: CeGaT Center For Human Genetics Tuebingen Variant Classification Criteria Version 2. Collection method: clinical testing. Allele origin: germline. Affected: yes. Observed: 1 variant allele.
Comment: AFF2: BP4, BS2